The following is an entry in ClinVar:

ClinVar aggregate classification (germline): Likely benign (0 of 4 stars; one submission).

Conditions:
MUC16-related disorder. Also called: MUC16-related condition.

Allele frequency attached by ClinVar (database versions not stated): 1000 Genomes Project 30x 0.00078; 1000 Genomes Project 0.00100; ESP Exome Variant Server 0.00188; ExAC 0.00190; gnomAD 0.00200; TOPMed 0.00210; gnomAD exomes 0.00307.

Submission:

PreventionGenetics, part of Exact Sciences
Classification: Likely benign for MUC16-related condition. Last evaluated: 2022-12-05. Review status: no assertion criteria provided. Collection method: clinical testing. Allele origin: germline.
Comment: This variant is classified as likely benign based on ACMG/AMP sequence variant interpretation guidelines (Richards et al. 2015 PMID: 25741868, with internal and published modifications).

NM_001401501.2(MUC16):c.39461C>T (p.Pro13154Leu)

Gene: MUC16 (mucin 16, cell surface associated; minus strand). Cytogenetic location: 19p13.2.
Variant type: single nucleotide variant.
Coding change: c.39461C>T on transcript NM_001401501.2 (MANE Select); coding-DNA position 39461, C replaced by T.
Protein change: p.Pro13154Leu; replaces proline 13154 with leucine.
Molecular consequence: missense variant.
Genome position (GRCh38, 1-based): chr19:8,897,601, G>A on the plus strand (C>T on the coding strand, the complement: MUC16 is on the minus strand). VCF-style: chr19-8897601-G-A. GRCh37 (hg19) VCF-style: chr19-9008277-G-A.
Other names: c.39887C>T, p.Pro13296Leu (NM_001414686.1); c.39341C>T, p.Pro13114Leu (NM_001414687.1); c.39275C>T, p.Pro13092Leu (NM_024690.2); short protein forms P13092L, P13114L, P13154L, P13296L.
Identifiers: ClinVar variation 3043870 (VCV003043870.2), dbSNP rs202222603, ClinGen allele CA9164111.